The following is an entry in ClinVar:

NM_016035.5(COQ4):c.-20C>G

Gene: COQ4 (coenzyme Q4; plus strand). Cytogenetic location: 9q34.11.
Variant type: single nucleotide variant.
Coding change: c.-20C>G on transcript NM_016035.5 (MANE Select); 20 bases upstream of the start codon, C replaced by G.
Molecular consequence: 5 prime UTR variant.
Genome position (GRCh38, 1-based): chr9:128,322,839, C>G. VCF-style: chr9-128322839-C-G. GRCh37 (hg19) VCF-style: chr9-131085118-C-G.
Other names: c.-20C>G (NM_001305942.2).
Identifiers: ClinVar variation 385011 (VCV000385011.3), dbSNP rs372363685, ClinGen allele CA5260348.
Genomic context (GRCh38, chr9:128,322,839, plus strand): 5'-TTGACCCCTCCGACGCTCCGTCGCCTGACAGAATCGCGGCGTTCTTCGTACCCGCCCATC[C>G]TCCGCGGACGCCCGCTGCCATGGCGACTCTGCTGCGCCCTGTCCTCCGTCGGCTCTGCGG-3'

ClinVar aggregate classification (germline): Likely benign. Review status: criteria provided, multiple submitters, no conflicts (2 of 4 stars). 3 submissions from 3 submitters: Likely benign (3). Last evaluated 2024-10-31.

Conditions:
Neonatal encephalomyopathy-cardiomyopathy-respiratory distress syndrome. Also called: Coenzyme Q10 deficiency, primary, 7. Identifiers: Orphanet 457185, MedGen C5568562, MONDO:0014562, OMIM 616276.

Allele frequency attached by ClinVar (database versions not stated): gnomAD exomes 0.00096; 1000 Genomes Project 0.00240; ExAC 0.00242; 1000 Genomes Project 30x 0.00250; ESP Exome Variant Server 0.00403; gnomAD 0.00416 and 0.00460; TOPMed 0.00462.
gnomAD v4.1: 1,196 of 1,534,228 alleles (0.078%); highest among the groups gnomAD compares: African/African-American, 1.5%; 9 homozygotes.

Submissions (3):

Blueprint Genetics
Classification: Likely benign. Last evaluated: 2024-10-31. Review status: criteria provided, single submitter. Criteria: ACMG Guidelines, 2015. Collection method: clinical testing. Allele origin: germline.

Fulgent Genetics
Classification: Likely benign for Neonatal encephalomyopathy-cardiomyopathy-respiratory distress syndrome. Last evaluated: 2021-10-08. Review status: criteria provided, single submitter. Criteria: ACMG Guidelines, 2015. Collection method: clinical testing. Allele origin: unknown.

GeneDx
Classification: Likely benign. Last evaluated: 2017-09-22. Review status: criteria provided, single submitter. Criteria: GeneDx Variant Classification (06012015). Collection method: clinical testing. Allele origin: germline. Affected: yes.
Comment: This variant is considered likely benign or benign based on one or more of the following criteria: it is a conservative change, it occurs at a poorly conserved position in the protein, it is predicted to be benign by multiple in silico algorithms, and/or has population frequency not consistent with disease.